The following is an entry in ClinVar:

ClinVar aggregate classification (germline): Uncertain significance (1 of 4 stars; one submission).

Conditions:
Epileptic encephalopathy. Identifiers: MedGen C0543888, HP:0200134.

Allele frequency attached by ClinVar (database versions not stated): gnomAD 0.00001.
gnomAD v4.1: 1 of 1,612,412 alleles (0.000062%); highest among the groups gnomAD compares: Non-Finnish European, 0.000085%; no homozygotes.

Submission:

Labcorp Genetics (formerly Invitae), Labcorp
Classification: Uncertain significance for Epileptic encephalopathy. Last evaluated: 2023-09-22. Review status: criteria provided, single submitter. Criteria: Invitae Variant Classification Sherloc (09022015). Collection method: clinical testing. Allele origin: germline.
Comment: In summary, the available evidence is currently insufficient to determine the role of this variant in disease. Therefore, it has been classified as a Variant of Uncertain Significance. An algorithm developed to predict the effect of missense changes on protein structure and function (PolyPhen-2) suggests that this variant is likely to be disruptive. This variant has not been reported in the literature in individuals affected with FASN-related conditions. This variant is not present in population databases (gnomAD no frequency). This sequence change replaces proline, which is neutral and non-polar, with leucine, which is neutral and non-polar, at codon 48 of the FASN protein (p.Pro48Leu).

NM_004104.5(FASN):c.143C>T (p.Pro48Leu)

Gene: FASN (fatty acid synthase; minus strand). Cytogenetic location: 17q25.3.
Variant type: single nucleotide variant.
Coding change: c.143C>T on transcript NM_004104.5 (MANE Select); coding-DNA position 143, C replaced by T.
Protein change: p.Pro48Leu; replaces proline 48 with leucine.
Molecular consequence: missense variant.
Genome position (GRCh38, 1-based): chr17:82,095,457, G>A on the plus strand (C>T on the coding strand, the complement: FASN is on the minus strand). VCF-style: chr17-82095457-G-A. GRCh37 (hg19) VCF-style: chr17-80053333-G-A.
Other names: short protein forms P48L.
Identifiers: ClinVar variation 2905218 (VCV002905218.3), dbSNP rs2034287975, ClinGen allele CA401566619.